The following is an entry in ClinVar:

NM_005431.2(XRCC2):c.626C>T (p.Pro209Leu)

Gene: XRCC2 (X-ray repair cross complementing 2; minus strand). Cytogenetic location: 7q36.1.
Variant type: single nucleotide variant.
Coding change: c.626C>T on transcript NM_005431.2 (MANE Select); coding-DNA position 626, C replaced by T.
Protein change: p.Pro209Leu; replaces proline 209 with leucine.
Molecular consequence: missense variant.
Genome position (GRCh38, 1-based): chr7:152,648,859, G>A on the plus strand (C>T on the coding strand, the complement: XRCC2 is on the minus strand). VCF-style: chr7-152648859-G-A. GRCh37 (hg19) VCF-style: chr7-152345944-G-A.
Other names: short protein forms P209L.
Identifiers: ClinVar variation 3333531 (VCV003333531.1).

ClinVar aggregate classification (germline): Uncertain significance (1 of 4 stars; one submission).

Conditions:
Hereditary cancer-predisposing syndrome. Also called: Neoplastic Syndromes, Hereditary; Tumor predisposition; Hereditary neoplastic syndrome; Hereditary Cancer Syndrome. Identifiers: Orphanet 140162, MedGen C0027672, MeSH D009386, MONDO:0015356.

Submission:

Ambry Genetics
Classification: Uncertain significance for Hereditary cancer-predisposing syndrome. Last evaluated: 2024-03-18. Review status: criteria provided, single submitter. Criteria: Ambry Variant Classification Scheme 2023. Collection method: clinical testing. Allele origin: germline.
Comment: The p.P209L variant (also known as c.626C>T), located in coding exon 3 of the XRCC2 gene, results from a C to T substitution at nucleotide position 626. The proline at codon 209 is replaced by leucine, an amino acid with similar properties. This amino acid position is conserved. In addition, this alteration is predicted to be tolerated by in silico analysis. Based on the available evidence, the clinical significance of this alteration remains unclear.